The following is an entry in ClinVar:

NM_001080414.4(CCDC88C):c.2477A>T (p.Glu826Val)

Gene: CCDC88C (coiled-coil domain containing 88C; minus strand). Cytogenetic location: 14q32.11.
Variant type: single nucleotide variant.
Coding change: c.2477A>T on transcript NM_001080414.4 (MANE Select); coding-DNA position 2477, A replaced by T.
Protein change: p.Glu826Val; replaces glutamic acid 826 with valine.
Molecular consequence: missense variant.
Genome position (GRCh38, 1-based): chr14:91,313,339, T>A on the plus strand (A>T on the coding strand, the complement: CCDC88C is on the minus strand). VCF-style: chr14-91313339-T-A. GRCh37 (hg19) VCF-style: chr14-91779683-T-A.
Other names: short protein forms E826V.
Identifiers: ClinVar variation 1911744 (VCV001911744.2), dbSNP rs760010675, ClinGen allele CA7309642.

ClinVar aggregate classification (germline): Uncertain significance (1 of 4 stars; one submission).

Allele frequency attached by ClinVar (database versions not stated): gnomAD exomes below 0.00001.
gnomAD v4.1: 1 of 1,613,032 alleles (0.000062%); highest among the groups gnomAD compares: Non-Finnish European, 0.000085%; no homozygotes.

Submission:

Labcorp Genetics (formerly Invitae), Labcorp
Classification: Uncertain significance. Last evaluated: 2022-11-01. Review status: criteria provided, single submitter. Criteria: Invitae Variant Classification Sherloc (09022015). Collection method: clinical testing. Allele origin: germline.
Comment: This sequence change replaces glutamic acid, which is acidic and polar, with valine, which is neutral and non-polar, at codon 826 of the CCDC88C protein (p.Glu826Val). This variant is present in population databases (rs760010675, gnomAD 0.0009%). This variant has not been reported in the literature in individuals affected with CCDC88C-related conditions. Algorithms developed to predict the effect of missense changes on protein structure and function are either unavailable or do not agree on the potential impact of this missense change (SIFT: "Deleterious"; PolyPhen-2: "Probably Damaging"; Align-GVGD: "Class C15"). In summary, the available evidence is currently insufficient to determine the role of this variant in disease. Therefore, it has been classified as a Variant of Uncertain Significance.